The following continues an entry in ClinVar:

NM_024675.4(PALB2):c.2993G>A (p.Gly998Glu)

Gene: PALB2. ClinVar aggregate classification (germline): Benign/Likely benign. Benign (13); Likely benign (7).

Submissions 25 to 31 of 31:

ITMI
No classification provided. Condition: AllHighlyPenetrant. Last evaluated: 2013-09-19. Review status: no classification provided. Collection method: reference population. Allele origin: germline. Not counted in ClinVar's aggregate classification.
Comment: Please see associated publication for description of ethnicities

Clinical Genetics Laboratory, Department of Pathology, Netherlands Cancer Institute
Classification: Benign. Review status: no assertion criteria provided. Collection method: clinical testing. Allele origin: germline. Affected: yes. Study: VKGL Data-share Consensus. Not counted in ClinVar's aggregate classification.

Department of Pathology and Laboratory Medicine, Sinai Health System
Classification: Likely benign for Malignant tumor of breast. Review status: no assertion criteria provided. Collection method: clinical testing. Allele origin: unknown. Affected: yes. Observed: 75 variant alleles. Study: The Canadian Open Genetics Repository (COGR). Not counted in ClinVar's aggregate classification.
Comment: The PALB2 p.Gly998Glu variant was identified in 268 of 12272 proband chromosomes (freq 0.022) in multinational cohorts of BRCA1 and BRCA2 negative breast and breast-ovarian cancer families, male breast cancer cases, women with breast cancer who had a personal or family history of pancreatic cancer, families with 2 or more prostate cancer cases, unselected breast and ovarian cancers, and American hereditary prostate cancer families; and was identified in 129 of 7352 control chromosomes (freq. 0.018) (Balia 2010, Blanco 2012, Bogdanova 2011, Cao 2009, Catucci 2014, Ding 2011, Downs 2015 , Garcia 2009, Guenard 2010, Hofstatter 2011, Kuusisto 2011, Leyton 2015 , Pakkanen 2009, Prokofyeva 2012, Hellebrand 2011, Rahman 2007, Sauty de Chalon 2010, Silvestri 2010, Sluiter 2009, Teo 2013, Wong 2011, Tischkowitz 2008, Zheng 2012). Blanco et al (2012) identified the variant in 6 index cases, which also had 5 other PALB2 variants, with co-segregation analysis in one of the carriers suggesting that all 6 variants constituted a haplotype. In a study looking at BRCA1 positive and BRCA negative families, the PALB2 variant was found in 2 families who carried different BRCA1 mutations (332-11T-Gins59-ter75, and 300Cys-Gly (T-G)) (Downs 2015 ). In their study, Rahman et al (2007) found no overall evidence that PALB2 missense variants confer susceptibility to breast cancer, with 23% affected individuals and 24% controls carrying at least one nonsynonymous missense variant. The variant was also identified in dbSNP (ID: rs45551636) as â€šÃ„Ãºotherâ€šÃ„Ã¹ allele, Clinvitae database (classifications benign, likely benign, conflicting interpretations of pathogenicity), Fanconi Anemia Mutation Database (LOVD), the ClinVar database (classifications benign: Invitae, Ambry Genetics, Prevention Genetics, Counsyl, GeneDx, Pathway Genomics, PALB2 database , likely benign: Vantari Genetics, Cancer Genetics Laboratory, Peter MacCallum Cancer Centre, Illumina Clinical Services Laboratory , and not provided: ITMI submitters). The variant was identified in control databases in 1917 of 121404 chromosomes at a frequency of 0.01579 increasing the likelihood this could be a low frequency benign variant (Genome Aggregation Consortium Feb 27, 2017). The variant was identified in the following populations at a frequency greater than 1%: Ashkenazi Jewish* in 237 of 10150 chromosomes (freq: 0.023), European (Non-Finnish) in 2781 of 126704 chromosomes (freq: 0.022), Other in 129 of 6466 chromosomes (freq: 0.02), European (Finnish) in 481 of 25784 chromosomes (freq: 0.019), Latino in 471 of 34418 chromosomes (freq: 0.014). The p.Gly998 residue is conserved across mammals and other organisms, and computational analyses (PolyPhen-2, SIFT, AlignGVGD, BLOSUM, MutationTaster) suggest that the variant may impact the protein; however, this information is not predictive enough to assume pathogenicity. The variant occurs outside of the splicing consensus sequence and in silico or computational prediction software programs (SpliceSiteFinder, MaxEntScan, NNSPLICE, GeneSplicer, HumanSpliceFinder) do not predict a difference in splicing. In summary, based on the above information, the clinical significance of this variant cannot be determined with certainty at this time although we would lean towards a more benign role for this variant. This variant is classified as likely benign.

Genome Diagnostics Laboratory, Amsterdam University Medical Center
Classification: Benign. Review status: no assertion criteria provided. Collection method: clinical testing. Allele origin: germline. Affected: yes. Study: VKGL Data-share Consensus. Not counted in ClinVar's aggregate classification.

Joint Genome Diagnostic Labs from Nijmegen and Maastricht, Radboudumc and MUMC+
Classification: Benign. Review status: no assertion criteria provided. Collection method: clinical testing. Allele origin: germline. Affected: yes. Study: VKGL Data-share Consensus. Not counted in ClinVar's aggregate classification.

Laboratory of Diagnostic Genome Analysis, Leiden University Medical Center (LUMC)
Classification: Likely benign. Review status: no assertion criteria provided. Collection method: clinical testing. Allele origin: germline. Affected: yes. Study: VKGL Data-share Consensus. Not counted in ClinVar's aggregate classification.

Laboratory of Molecular Epidemiology of Birth Defects, West China Second University Hospital, Sichuan University
Classification: Likely pathogenic for Ovarian cancer. Last evaluated: 2022-01-01. Review status: flagged submission. Criteria: ACMG Guidelines, 2015. Collection method: clinical testing. Allele origin: germline. Affected: yes. Not counted in ClinVar's aggregate classification.
ClinVar note: Reason: Outlier claim with insufficient supporting evidence

Literature cited by the submitters: PubMed 25085752 (cited by Myriad Genetics, Inc.); PubMed 17200668 (cited by Leiden Open Variation Database and Pathway Genomics); PubMed 18288683 (cited by Leiden Open Variation Database); PubMed 18302019 (cited by Leiden Open Variation Database); PubMed 18446436 (cited by Leiden Open Variation Database); PubMed 19333784 (cited by Leiden Open Variation Database); PubMed 20091115 (cited by Leiden Open Variation Database); PubMed 20180015 (cited by Leiden Open Variation Database and Pathway Genomics); PubMed 20722467 (cited by Leiden Open Variation Database); PubMed 20852946 (cited by Leiden Open Variation Database); PubMed 20927582 (cited by Leiden Open Variation Database); PubMed 21165770 (cited by Leiden Open Variation Database); PubMed 21356067 (cited by Leiden Open Variation Database); PubMed 21365267 (cited by Leiden Open Variation Database); PubMed 21409391 (cited by Leiden Open Variation Database); PubMed 21618343 (cited by Leiden Open Variation Database and Pathway Genomics); PubMed 21932393 (cited by Leiden Open Variation Database); PubMed 22052327 (cited by Leiden Open Variation Database); PubMed 22241545 (cited by Leiden Open Variation Database); PubMed 22310028 (cited by Leiden Open Variation Database); PubMed 22995991 (cited by Leiden Open Variation Database); PubMed 23448497 (cited by Leiden Open Variation Database); PubMed 23824750 (cited by Leiden Open Variation Database); PubMed 23935836 (cited by Leiden Open Variation Database); PubMed 24206657 (cited by Leiden Open Variation Database); PubMed 24556926 (cited by Leiden Open Variation Database); PubMed 24949998 (cited by Leiden Open Variation Database); PubMed 24728327 (cited by ITMI).